The following is an entry in ClinVar:

ClinVar aggregate classification (germline): Uncertain significance. Review status: criteria provided, multiple submitters, no conflicts (2 of 4 stars). 2 submissions from 2 submitters: Uncertain significance (2). Last evaluated 2023-11-11.

Conditions:
Hereditary cancer-predisposing syndrome. Also called: Neoplastic Syndromes, Hereditary; Tumor predisposition; Hereditary Cancer Syndrome; Hereditary neoplastic syndrome. Identifiers: Orphanet 140162, MedGen C0027672, MeSH D009386, MONDO:0015356.
Gastrointestinal stromal tumor. Also called: Gastrointestinal stromal tumor, somatic; Gastrointestinal stroma tumor. Identifiers: Orphanet 44890, MedGen C0238198, MeSH D046152, MONDO:0011719, OMIM 606764, HP:0100723.

Allele frequency attached by ClinVar (database versions not stated): TOPMed below 0.00001; gnomAD 0.00001.
gnomAD v4.1: 1 of 1,612,704 alleles (0.000062%); highest among the groups gnomAD compares: Admixed American, 0.0017%; no homozygotes.

Submissions (2):

Ambry Genetics
Classification: Uncertain significance for Hereditary cancer-predisposing syndrome. Last evaluated: 2023-11-11. Review status: criteria provided, single submitter. Criteria: Ambry Variant Classification Scheme 2023. Collection method: clinical testing. Allele origin: germline.
Comment: The p.D738H variant (also known as c.2212G>C), located in coding exon 15 of the PDGFRA gene, results from a G to C substitution at nucleotide position 2212. The aspartic acid at codon 738 is replaced by histidine, an amino acid with similar properties. This amino acid position is conserved. In addition, the in silico prediction for this alteration is inconclusive. Since supporting evidence is limited at this time, the clinical significance of this alteration remains unclear.

Labcorp Genetics (formerly Invitae), Labcorp
Classification: Uncertain significance for Gastrointestinal stromal tumor. Last evaluated: 2023-09-09. Review status: criteria provided, single submitter. Criteria: Invitae Variant Classification Sherloc (09022015). Collection method: clinical testing. Allele origin: germline.
Comment: This sequence change replaces aspartic acid, which is acidic and polar, with histidine, which is basic and polar, at codon 738 of the PDGFRA protein (p.Asp738His). This variant is not present in population databases (gnomAD no frequency). This variant has not been reported in the literature in individuals affected with PDGFRA-related conditions. ClinVar contains an entry for this variant (Variation ID: 837984). Advanced modeling of protein sequence and biophysical properties (such as structural, functional, and spatial information, amino acid conservation, physicochemical variation, residue mobility, and thermodynamic stability) performed at Invitae indicates that this missense variant is not expected to disrupt PDGFRA protein function. In summary, the available evidence is currently insufficient to determine the role of this variant in disease. Therefore, it has been classified as a Variant of Uncertain Significance.

NM_006206.6(PDGFRA):c.2212G>C (p.Asp738His)

Gene: PDGFRA (platelet derived growth factor receptor alpha; plus strand). Cytogenetic location: 4q12.
Variant type: single nucleotide variant.
Coding change: c.2212G>C on transcript NM_006206.6 (MANE Select); coding-DNA position 2212, G replaced by C.
Protein change: p.Asp738His; replaces aspartic acid 738 with histidine.
Molecular consequence: missense variant.
Genome position (GRCh38, 1-based): chr4:54,280,371, G>C. VCF-style: chr4-54280371-G-C. GRCh37 (hg19) VCF-style: chr4-55146538-G-C.
Other names: c.2212G>C, p.Asp738His (NM_001347827.2, NM_001347829.2); c.2287G>C, p.Asp763His (NM_001347828.2); c.2251G>C, p.Asp751His (NM_001347830.2); short protein forms D738H, D751H, D763H.
Identifiers: ClinVar variation 837984 (VCV000837984.11), dbSNP rs1370672831, ClinGen allele CA356894319.